The following is an entry in ClinVar:

NM_001080449.3(DNA2):c.940-1G>T

Gene: DNA2 (DNA replication helicase/nuclease 2; minus strand). Cytogenetic location: 10q21.3.
Variant type: single nucleotide variant.
Coding change: c.940-1G>T on transcript NM_001080449.3 (MANE Select); the canonical splice acceptor site of the intron before coding-DNA position 940, G replaced by T.
Molecular consequence: splice acceptor variant.
Genome position (GRCh38, 1-based): chr10:68,446,414, C>A on the plus strand (G>T on the coding strand, the complement: DNA2 is on the minus strand). VCF-style: chr10-68446414-C-A. GRCh37 (hg19) VCF-style: chr10-70206171-C-A.
Identifiers: ClinVar variation 2014629 (VCV002014629.4), dbSNP rs1590064469, ClinGen allele CA376863214.

ClinVar aggregate classification (germline): Uncertain significance (1 of 4 stars; one submission).

Submission:

Labcorp Genetics (formerly Invitae), Labcorp
Classification: Uncertain significance. Last evaluated: 2022-07-06. Review status: criteria provided, single submitter. Criteria: Invitae Variant Classification Sherloc (09022015). Collection method: clinical testing. Allele origin: germline.
Comment: In summary, the available evidence is currently insufficient to determine the role of this variant in disease. Therefore, it has been classified as a Variant of Uncertain Significance. Algorithms developed to predict the effect of sequence changes on RNA splicing suggest that this variant may disrupt the consensus splice site. This variant has not been reported in the literature in individuals affected with DNA2-related conditions. This variant is not present in population databases (gnomAD no frequency). This sequence change affects an acceptor splice site in intron 6 of the DNA2 gene. It is expected to disrupt RNA splicing. Variants that disrupt the donor or acceptor splice site typically lead to a loss of protein function (PMID: 16199547), however the current clinical and genetic evidence is not sufficient to establish whether loss-of-function variants in DNA2 cause disease.

Literature cited by the submitters: PubMed 16199547.